The following is an entry in ClinVar:

ClinVar aggregate classification (germline): Uncertain significance. Review status: criteria provided, multiple submitters, no conflicts (2 of 4 stars). 2 submissions from 2 submitters: Uncertain significance (2). Last evaluated 2025-09-28.

Conditions:
Hereditary nonpolyposis colorectal neoplasms. Identifiers: MedGen C0009405, MeSH D003123.
Hereditary cancer-predisposing syndrome. Also called: Hereditary neoplastic syndrome; Tumor predisposition; Hereditary Cancer Syndrome; Neoplastic Syndromes, Hereditary. Identifiers: Orphanet 140162, MedGen C0027672, MeSH D009386, MONDO:0015356.

Allele frequency attached by ClinVar (database versions not stated): TOPMed below 0.00001; gnomAD 0.00001.

Submissions (2):

Ambry Genetics
Classification: Uncertain significance for Hereditary cancer-predisposing syndrome. Last evaluated: 2025-09-28. Review status: criteria provided, single submitter. Criteria: Ambry Variant Classification Scheme 2023. Collection method: clinical testing. Allele origin: germline.
Comment: The p.Q132H variant (also known as c.396G>C), located in coding exon 2 of the MSH6 gene, results from a G to C substitution at nucleotide position 396. The glutamine at codon 132 is replaced by histidine, an amino acid with highly similar properties. This amino acid position is well conserved in available vertebrate species. In addition, this alteration is predicted to be tolerated by in silico analysis. Since supporting evidence is limited at this time, the clinical significance of this alteration remains unclear.

Labcorp Genetics (formerly Invitae), Labcorp
Classification: Uncertain significance for Hereditary nonpolyposis colorectal neoplasms. Last evaluated: 2024-01-07. Review status: criteria provided, single submitter. Criteria: Invitae Variant Classification Sherloc (09022015). Collection method: clinical testing. Allele origin: germline.
Comment: This sequence change replaces glutamine, which is neutral and polar, with histidine, which is basic and polar, at codon 132 of the MSH6 protein (p.Gln132His). This variant is not present in population databases (gnomAD no frequency). This variant has not been reported in the literature in individuals affected with MSH6-related conditions. ClinVar contains an entry for this variant (Variation ID: 219706). Advanced modeling of protein sequence and biophysical properties (such as structural, functional, and spatial information, amino acid conservation, physicochemical variation, residue mobility, and thermodynamic stability) performed at Invitae indicates that this missense variant is not expected to disrupt MSH6 protein function with a negative predictive value of 95%. In summary, the available evidence is currently insufficient to determine the role of this variant in disease. Therefore, it has been classified as a Variant of Uncertain Significance.

NM_000179.3(MSH6):c.396G>C (p.Gln132His)

Gene: MSH6 (mutS homolog 6; plus strand). Cytogenetic location: 2p16.3.
Variant type: single nucleotide variant.
Coding change: c.396G>C on transcript NM_000179.3 (MANE Select); coding-DNA position 396, G replaced by C.
Protein change: p.Gln132His; replaces glutamine 132 with histidine.
Molecular consequence: missense variant. On other transcripts: 5 prime UTR variant (2), intron variant (1).
Genome position (GRCh38, 1-based): chr2:47,791,062, G>C. VCF-style: chr2-47791062-G-C. GRCh37 (hg19) VCF-style: chr2-48018201-G-C.
Other names: c.-341G>C (NM_001281493.2); c.-507G>C (NM_001281494.2); c.238-7549G>C (NM_001281492.2); short protein forms Q132H.
Identifiers: ClinVar variation 219706 (VCV000219706.17), dbSNP rs864622216, ClinGen allele CA348670.